The following is an entry in ClinVar:

NM_206933.4(USH2A):c.404G>T (p.Cys135Phe)

Gene: USH2A (usherin; minus strand). Cytogenetic location: 1q41.
Variant type: single nucleotide variant.
Coding change: c.404G>T on transcript NM_206933.4 (MANE Select); coding-DNA position 404, G replaced by T.
Protein change: p.Cys135Phe; replaces cysteine 135 with phenylalanine.
Molecular consequence: missense variant.
Genome position (GRCh38, 1-based): chr1:216,421,933, C>A on the plus strand (G>T on the coding strand, the complement: USH2A is on the minus strand). VCF-style: chr1-216421933-C-A. GRCh37 (hg19) VCF-style: chr1-216595275-C-A.
Other names: c.404G>T, p.Cys135Phe (NM_007123.6); short protein forms C135F.
Identifiers: ClinVar variation 1431754 (VCV001431754.5), dbSNP rs878992902, ClinGen allele CA344903941.

ClinVar aggregate classification (germline): Uncertain significance (1 of 4 stars; one submission).

Submission:

Labcorp Genetics (formerly Invitae), Labcorp
Classification: Uncertain significance. Last evaluated: 2022-07-12. Review status: criteria provided, single submitter. Criteria: Invitae Variant Classification Sherloc (09022015). Collection method: clinical testing. Allele origin: germline.
Comment: This sequence change replaces cysteine, which is neutral and slightly polar, with phenylalanine, which is neutral and non-polar, at codon 135 of the USH2A protein (p.Cys135Phe). This variant is not present in population databases (gnomAD no frequency). This variant has not been reported in the literature in individuals affected with USH2A-related conditions. ClinVar contains an entry for this variant (Variation ID: 1431754). Algorithms developed to predict the effect of missense changes on protein structure and function are either unavailable or do not agree on the potential impact of this missense change (SIFT: "Deleterious"; PolyPhen-2: "Probably Damaging"; Align-GVGD: "Class C0"). In summary, the available evidence is currently insufficient to determine the role of this variant in disease. Therefore, it has been classified as a Variant of Uncertain Significance.